The following is an entry in ClinVar:

ClinVar aggregate classification (germline): Uncertain significance (1 of 4 stars; one submission).

Conditions:
Immunodeficiency 14 (IMD14A). Also called: ACTIVATED PI3K-DELTA SYNDROME 1; Activated PI3K Delta Syndrome Type 1 (APDS1); p110-DELTA-ACTIVATING MUTATION CAUSING SENESCENT T CELLS, LYMPHADENOPATHY, AND IMMUNODEFICIENCY; IMMUNODEFICIENCY 14A WITH LYMPHOPROLIFERATION, AUTOSOMAL DOMINANT. Identifiers: Orphanet 397596, Orphanet 693661, MedGen C5907821, MONDO:0014222, OMIM 615513.

Allele frequency attached by ClinVar (database versions not stated): TOPMed below 0.00001; gnomAD exomes 0.00002; gnomAD 0.00003.
gnomAD v4.1: 14 of 1,613,120 alleles (0.00087%); highest among the groups gnomAD compares: African/African-American, 0.0027%; no homozygotes.

Submission:

Labcorp Genetics (formerly Invitae), Labcorp
Classification: Uncertain significance for Activated PI3K-delta syndrome. Last evaluated: 2024-11-11. Review status: criteria provided, single submitter. Criteria: Invitae Variant Classification Sherloc (09022015). Collection method: clinical testing. Allele origin: germline.
Comment: This sequence change replaces methionine, which is neutral and non-polar, with isoleucine, which is neutral and non-polar, at codon 655 of the PIK3CD protein (p.Met655Ile). This variant is present in population databases (no rsID available, gnomAD 0.02%). This variant has not been reported in the literature in individuals affected with PIK3CD-related conditions. ClinVar contains an entry for this variant (Variation ID: 1394802). Invitae Evidence Modeling of protein sequence and biophysical properties (such as structural, functional, and spatial information, amino acid conservation, physicochemical variation, residue mobility, and thermodynamic stability) indicates that this missense variant is not expected to disrupt PIK3CD protein function with a negative predictive value of 80%. In summary, the available evidence is currently insufficient to determine the role of this variant in disease. Therefore, it has been classified as a Variant of Uncertain Significance.

NM_005026.5(PIK3CD):c.1965G>A (p.Met655Ile)

Gene: PIK3CD (phosphatidylinositol-4,5-bisphosphate 3-kinase catalytic subunit delta; plus strand). Cytogenetic location: 1p36.22.
Variant type: single nucleotide variant.
Coding change: c.1965G>A on transcript NM_005026.5 (MANE Select); coding-DNA position 1965, G replaced by A.
Protein change: p.Met655Ile; replaces methionine 655 with isoleucine.
Molecular consequence: missense variant.
Genome position (GRCh38, 1-based): chr1:9,721,770, G>A. VCF-style: chr1-9721770-G-A. GRCh37 (hg19) VCF-style: chr1-9781828-G-A.
Other names: c.1962G>A, p.Met654Ile (NM_001350234.2); c.1878G>A, p.Met626Ile (NM_001350235.1); short protein forms M626I, M654I, M655I.
Identifiers: ClinVar variation 1394802 (VCV001394802.6), dbSNP rs1211872659, ClinGen allele CA338304715.